The following is an entry in ClinVar:

ClinVar aggregate classification (germline): Uncertain significance. Review status: criteria provided, multiple submitters, no conflicts (2 of 4 stars). 2 submissions from 2 submitters: Uncertain significance (2). Last evaluated 2026-04-14.

Conditions:
Infantile neuroaxonal dystrophy (NBIA2A). Also called: SEITELBERGER DISEASE; NEURODEGENERATION WITH BRAIN IRON ACCUMULATION 2A; Infantile neuroaxonal dystrophy 1. Identifiers: Orphanet 35069, MedGen C0270724, MONDO:0024457, OMIM 256600.

Allele frequency attached by ClinVar (database versions not stated): gnomAD 0.00001; TOPMed 0.00001; gnomAD exomes 0.00002 and 0.00003; ExAC 0.00002.

Submissions (2):

GeneDx
Classification: Uncertain significance. Last evaluated: 2026-04-14. Review status: criteria provided, single submitter. Criteria: GeneDx Variant Classification Process June 2021. Collection method: clinical testing. Allele origin: germline.
Comment: Reported as a heterozygous variant in a patient with Parkinson disease in the published literature; however, a second variant in PLA2G6 was not reported (PMID: 31737044); In silico analysis supports that this missense variant has a deleterious effect on protein structure/function; Not observed at significant frequency in large population cohorts (gnomAD); This variant is associated with the following publications: (PMID: 31737044)

Labcorp Genetics (formerly Invitae), Labcorp
Classification: Uncertain significance for Infantile neuroaxonal dystrophy. Last evaluated: 2021-08-27. Review status: criteria provided, single submitter. Criteria: Invitae Variant Classification Sherloc (09022015). Collection method: clinical testing. Allele origin: germline.
Comment: This sequence change replaces arginine with tryptophan at codon 39 of the PLA2G6 protein (p.Arg39Trp). The arginine residue is moderately conserved and there is a moderate physicochemical difference between arginine and tryptophan. This variant is present in population databases (rs763352728, ExAC 0.003%). This variant has not been reported in the literature in individuals affected with PLA2G6-related conditions. Algorithms developed to predict the effect of missense changes on protein structure and function are either unavailable or do not agree on the potential impact of this missense change (SIFT: "Deleterious"; PolyPhen-2: "Possibly Damaging"; Align-GVGD: "Class C0"). In summary, the available evidence is currently insufficient to determine the role of this variant in disease. Therefore, it has been classified as a Variant of Uncertain Significance.

NM_003560.4(PLA2G6):c.115C>T (p.Arg39Trp)

Gene: PLA2G6 (phospholipase A2 group VI; minus strand). Cytogenetic location: 22q13.1.
Variant type: single nucleotide variant.
Coding change: c.115C>T on transcript NM_003560.4 (MANE Select); coding-DNA position 115, C replaced by T.
Protein change: p.Arg39Trp; replaces arginine 39 with tryptophan.
Molecular consequence: missense variant. On other transcripts: 5 prime UTR variant (3).
Genome position (GRCh38, 1-based): chr22:38,169,312, G>A on the plus strand (C>T on the coding strand, the complement: PLA2G6 is on the minus strand). VCF-style: chr22-38169312-G-A. GRCh37 (hg19) VCF-style: chr22-38565319-G-A.
Other names: c.115C>T, p.Arg39Trp (NM_001004426.3, NM_001199562.3, NM_001349864.2 and 2 more transcripts); c.-551C>T (NM_001349867.2, NM_001349869.2); c.-376C>T (NM_001349868.2); short protein forms R39W.
Identifiers: ClinVar variation 459995 (VCV000459995.7), dbSNP rs763352728, ClinGen allele CA10231372.